The following is an entry in ClinVar:

ClinVar aggregate classification (germline): Uncertain significance. Review status: criteria provided, multiple submitters, no conflicts (2 of 4 stars). 2 submissions from 2 submitters: Uncertain significance (2). Last evaluated 2026-07-31.

Conditions:
SEMA3F-related disorder. Also called: SEMA3F-related condition.

Allele frequency attached by ClinVar (database versions not stated): gnomAD exomes 0.00001; gnomAD 0.00003; ExAC 0.00004; TOPMed 0.00004; ESP Exome Variant Server 0.00008.

Submissions (2):

PreventionGenetics, part of Exact Sciences
Classification: Uncertain significance for SEMA3F-related condition. Last evaluated: 2026-07-31. Review status: criteria provided, single submitter. Criteria: ACMG Guidelines, 2015. Collection method: clinical testing. Allele origin: germline.
Comment: The SEMA3F c.1922G>A variant is predicted to result in the amino acid substitution p.Arg641Gln. To our knowledge, this variant has not been reported in the literature. This variant is reported in 0.024% of alleles in individuals of African descent in gnomAD. At this time, the clinical significance of this variant is uncertain due to the absence of conclusive functional and genetic evidence.

Ambry Genetics
Classification: Uncertain significance. Last evaluated: 2023-03-29. Review status: criteria provided, single submitter. Criteria: Ambry Variant Classification Scheme 2023. Collection method: clinical testing. Allele origin: germline.

NM_004186.5(SEMA3F):c.1922G>A (p.Arg641Gln)

Gene: SEMA3F (semaphorin 3F; plus strand). Cytogenetic location: 3p21.31.
Variant type: single nucleotide variant.
Coding change: c.1922G>A on transcript NM_004186.5 (MANE Select); coding-DNA position 1922, G replaced by A.
Protein change: p.Arg641Gln; replaces arginine 641 with glutamine.
Molecular consequence: missense variant.
Genome position (GRCh38, 1-based): chr3:50,186,721, G>A. VCF-style: chr3-50186721-G-A. GRCh37 (hg19) VCF-style: chr3-50224154-G-A.
Other names: c.1625G>A, p.Arg542Gln (NM_001318798.2); c.1829G>A, p.Arg610Gln (NM_001318800.2); c.1922G>A (NM_004186.4); short protein forms R641Q, R542Q, R610Q.
Identifiers: ClinVar variation 2531544 (VCV002531544.5), dbSNP rs375597719, ClinGen allele CA2412273.